The following is an entry in ClinVar:

NM_025132.4(WDR19):c.1241G>A (p.Gly414Glu)

Gene: WDR19 (WD repeat domain 19; plus strand). Cytogenetic location: 4p14.
Variant type: single nucleotide variant.
Coding change: c.1241G>A on transcript NM_025132.4 (MANE Select); coding-DNA position 1241, G replaced by A.
Protein change: p.Gly414Glu; replaces glycine 414 with glutamic acid.
Molecular consequence: missense variant.
Genome position (GRCh38, 1-based): chr4:39,216,202, G>A. VCF-style: chr4-39216202-G-A. GRCh37 (hg19) VCF-style: chr4-39217822-G-A.
Other names: c.761G>A, p.Gly254Glu (NM_001317924.2); short protein forms G254E, G414E.
Identifiers: ClinVar variation 1901762 (VCV001901762.5), dbSNP rs1375003683, ClinGen allele CA356630548.

ClinVar aggregate classification (germline): Uncertain significance (1 of 4 stars; one submission).

Conditions:
Asphyxiating thoracic dystrophy 5 (SRTD5). Also called: SHORT-RIB THORACIC DYSPLASIA 5 WITH OR WITHOUT POLYDACTYLY; SHORT-RIB THORACIC DYSPLASIA 5 WITHOUT POLYDACTYLY. Identifiers: Orphanet 474, MedGen C3280598, MONDO:0013717, OMIM 614376.
Senior-Loken syndrome 8 (SLSN8). Identifiers: Orphanet 3156, MedGen C4225376, MONDO:0014579, OMIM 616307.

Allele frequency attached by ClinVar (database versions not stated): gnomAD exomes below 0.00001.
gnomAD v4.1: 1 of 1,563,842 alleles (0.000064%); highest among the groups gnomAD compares: Admixed American, 0.0019%; no homozygotes.

Submission:

Labcorp Genetics (formerly Invitae), Labcorp
Classification: Uncertain significance for Senior-Loken syndrome 8; Asphyxiating thoracic dystrophy 5. Last evaluated: 2022-11-15. Review status: criteria provided, single submitter. Criteria: Invitae Variant Classification Sherloc (09022015). Collection method: clinical testing. Allele origin: germline.
Comment: In summary, the available evidence is currently insufficient to determine the role of this variant in disease. Therefore, it has been classified as a Variant of Uncertain Significance. Advanced modeling of protein sequence and biophysical properties (such as structural, functional, and spatial information, amino acid conservation, physicochemical variation, residue mobility, and thermodynamic stability) performed at Invitae indicates that this missense variant is not expected to disrupt WDR19 protein function. This variant has not been reported in the literature in individuals affected with WDR19-related conditions. This variant is not present in population databases (gnomAD no frequency). This sequence change replaces glycine, which is neutral and non-polar, with glutamic acid, which is acidic and polar, at codon 414 of the WDR19 protein (p.Gly414Glu).